The following is an entry in ClinVar:

NM_006303.4(AIMP2):c.120C>T (p.Gly40=)

Genes: AIMP2 (aminoacyl tRNA synthetase complex interacting multifunctional protein 2; plus strand), LOC129997917 (ATAC-STARR-seq lymphoblastoid silent region 17931; plus strand). Cytogenetic location: 7p22.1.
Variant type: single nucleotide variant.
Coding change: c.120C>T on transcript NM_006303.4 (MANE Select); coding-DNA position 120, C replaced by T.
Protein change: p.Gly40=; no amino-acid change (glycine 40 retained).
Molecular consequence: synonymous variant. On other transcripts: 5 prime UTR variant (1), intron variant (3).
Genome position (GRCh38, 1-based): chr7:6,009,483, C>T. VCF-style: chr7-6009483-C-T. GRCh37 (hg19) VCF-style: chr7-6049114-C-T.
Other names: c.120C>T, p.Gly40= (NM_001326607.2); c.-201C>T (NM_001326609.2); c.-238+105C>T (NM_001326611.3); c.-251+105C>T (NM_001326610.2); c.15+105C>T (NM_001326606.2).
Identifiers: ClinVar variation 3250888 (VCV003250888.18), dbSNP rs771332190.

ClinVar aggregate classification (germline): Likely benign (1 of 4 stars; one submission).

Allele frequency attached by ClinVar (database versions not stated): gnomAD exomes below 0.00001; ExAC 0.00001; gnomAD 0.00001; TOPMed 0.00001.
gnomAD v4.1: 9 of 1,573,516 alleles (0.00057%); highest among the groups gnomAD compares: East Asian, 0.0071%; no homozygotes.

Submission:

CeGaT Center for Human Genetics Tuebingen
Classification: Likely benign. Last evaluated: 2024-06-01. Review status: criteria provided, single submitter. Criteria: CeGaT Center For Human Genetics Tuebingen Variant Classification Criteria Version 2. Collection method: clinical testing. Allele origin: germline. Affected: yes. Observed: 1 variant allele.
Comment: AIMP2: BP4, BP7